The following is an entry in ClinVar:

ClinVar aggregate classification (germline): Uncertain significance (1 of 4 stars; one submission).

Conditions:
Tuberous sclerosis 2 (TSC2). Identifiers: Orphanet 805, MedGen C1860707, MONDO:0013199, OMIM 613254.

Submission:

Labcorp Genetics (formerly Invitae), Labcorp
Classification: Uncertain significance for Tuberous sclerosis 2. Last evaluated: 2023-09-26. Review status: criteria provided, single submitter. Criteria: Invitae Variant Classification Sherloc (09022015). Collection method: clinical testing. Allele origin: germline.
Comment: This variant has not been reported in the literature in individuals affected with TSC2-related conditions. This variant is not present in population databases (gnomAD no frequency). This sequence change replaces tyrosine, which is neutral and polar, with serine, which is neutral and polar, at codon 1788 of the TSC2 protein (p.Tyr1788Ser). ClinVar contains an entry for this variant (Variation ID: 1002416). In summary, the available evidence is currently insufficient to determine the role of this variant in disease. Therefore, it has been classified as a Variant of Uncertain Significance. Advanced modeling of protein sequence and biophysical properties (such as structural, functional, and spatial information, amino acid conservation, physicochemical variation, residue mobility, and thermodynamic stability) performed at Invitae indicates that this missense variant is not expected to disrupt TSC2 protein function.

NM_000548.5(TSC2):c.5363A>C (p.Tyr1788Ser)

Gene: TSC2 (TSC complex subunit 2; plus strand). Cytogenetic location: 16p13.3.
Variant type: single nucleotide variant.
Coding change: c.5363A>C on transcript NM_000548.5 (MANE Select); coding-DNA position 5363, A replaced by C.
Protein change: p.Tyr1788Ser; replaces tyrosine 1788 with serine.
Molecular consequence: missense variant.
Genome position (GRCh38, 1-based): chr16:2,088,549, A>C. VCF-style: chr16-2088549-A-C. GRCh37 (hg19) VCF-style: chr16-2138550-A-C.
Other names: c.5162A>C, p.Tyr1721Ser (NM_001077183.3); c.5294A>C, p.Tyr1765Ser (NM_001114382.3); c.5054A>C, p.Tyr1685Ser (NM_001318827.2); c.5018A>C, p.Tyr1673Ser (NM_001318829.2); c.4631A>C, p.Tyr1544Ser (NM_001318831.2); c.5195A>C, p.Tyr1732Ser (NM_001318832.2); c.5165A>C, p.Tyr1722Ser (NM_001363528.2); c.5231A>C, p.Tyr1744Ser (NM_001370404.1); and 2 more; short protein forms Y1544S, Y1673S, Y1685S, Y1721S, Y1722S, Y1732S, Y1741S, Y1744S.
Identifiers: ClinVar variation 1002416 (VCV001002416.8), dbSNP rs397515221, ClinGen allele CA394315826.